The following is an entry in ClinVar:

ClinVar aggregate classification (germline): Pathogenic. Review status: reviewed by expert panel (3 of 4 stars). 2 submissions from 2 submitters: Pathogenic (1). 1 of the submissions does not count toward it. Last evaluated 2016-09-08.

Conditions:
Hereditary cancer-predisposing syndrome. Also called: Hereditary Cancer Syndrome; Hereditary neoplastic syndrome; Tumor predisposition; Neoplastic Syndromes, Hereditary. Identifiers: Orphanet 140162, MedGen C0027672, MeSH D009386, MONDO:0015356.
Breast-ovarian cancer, familial, susceptibility to, 1 (BROVCA1). Also called: OVARIAN CANCER, SUSCEPTIBILITY TO; BRCA1 Hereditary Breast and Ovarian Cancer. Identifiers: Orphanet 145, MedGen C2676676, MONDO:0011450, OMIM 604370. Disease mechanism: loss of function.

Submissions (3):

Evidence-based Network for the Interpretation of Germline Mutant Alleles (ENIGMA)
Classification: Pathogenic for Breast-ovarian cancer, familial, susceptibility to, 1. Last evaluated: 2016-09-08. Review status: reviewed by expert panel. Criteria: ENIGMA BRCA1/2 Classification Criteria (2015). Collection method: curation. Allele origin: germline.
Comment: Variant allele predicted to encode a truncated non-functional protein.

Ambry Genetics
Classification: Pathogenic for Hereditary cancer-predisposing syndrome. Last evaluated: 2025-01-08. Review status: criteria provided, single submitter. Criteria: Ambry Variant Classification Scheme 2023. Collection method: clinical testing. Allele origin: germline. Not counted in ClinVar's aggregate classification.
Comment: The p.L1676* pathogenic mutation (also known as c.5027T>G), located in coding exon 15 of the BRCA1 gene, results from a T to G substitution at nucleotide position 5027. This changes the amino acid from a leucine to a stop codon within coding exon 15. This alteration is expected to result in loss of function by premature protein truncation or nonsense-mediated mRNA decay. As such, this alteration is interpreted as a disease-causing mutation.

Brotman Baty Institute, University of Washington
No classification provided (evidence only). Condition: Breast-ovarian cancer, familial 1. Review status: no classification provided. Collection method: in vitro. Allele origin: not applicable. Functional consequence: functionally_abnormal. Not counted in ClinVar's aggregate classification.
ClinVar note: "not provided" was previously submitted as the classification for the variant. However, the classification appeared to be based only on an observation of functional data so it was converted to no classification on 2025-07-30.

NM_007294.4(BRCA1):c.5027T>G (p.Leu1676Ter)

Gene: BRCA1 (BRCA1 DNA repair associated; minus strand). Cytogenetic location: 17q21.31.
Variant type: single nucleotide variant.
Coding change: c.5027T>G on transcript NM_007294.4 (MANE Select); coding-DNA position 5027, T replaced by G.
Protein change: p.Leu1676Ter; replaces leucine 1676 with a stop codon.
Molecular consequence: nonsense. On other transcripts: non-coding transcript variant (1).
Genome position (GRCh38, 1-based): chr17:43,067,655, A>C on the plus strand (T>G on the coding strand, the complement: BRCA1 is on the minus strand). VCF-style: chr17-43067655-A-C. GRCh37 (hg19) VCF-style: chr17-41219672-A-C.
Other names: c.4946T>G, p.Leu1649Ter (NM_001407657.1, NM_001407658.1, NM_001407656.1); c.4943T>G, p.Leu1648Ter (NM_001407659.1, NM_001407660.1, NM_001407661.1 and 2 more transcripts); c.4814T>G, p.Leu1605Ter (NM_001407571.1, NM_001407894.1, NM_001407895.1 and 12 more transcripts); c.5093T>G, p.Leu1698Ter (NM_001407581.1, NM_001407582.1); c.5090T>G, p.Leu1697Ter (NM_001407583.1, NM_001407585.1, NM_001407587.1 and 1 more transcripts); c.5087T>G, p.Leu1696Ter (NM_001407590.1, NM_001407591.1); c.5027T>G, p.Leu1676Ter (NM_001407593.1, NM_001407594.1, NM_001407596.1 and 8 more transcripts); c.5024T>G, p.Leu1675Ter (NM_001407620.1, NM_001407621.1, NM_001407622.1 and 17 more transcripts); and 70 more; short protein forms L1676*, L572*, L1629*, L1697*, L1522*, L1627*, L1635*, L1675*.
Identifiers: ClinVar variation 187466 (VCV000187466.10), dbSNP rs786203754, ClinGen allele CA003160.